The following is an entry in ClinVar:

NC_000016.10:g.(?_79594440)_(79599922_?)del

Gene: MAF (MAF bZIP transcription factor; minus strand). Cytogenetic location: 16q23.2.
Variant type: Deletion.
Identifiers: ClinVar variation 830955 (VCV000830955.8).

ClinVar aggregate classification (germline): Pathogenic (1 of 4 stars; one submission).

Conditions:
Cataract 21 multiple types. Also called: Cataract, congenital, cerulean type, 4; CATARACT 21, MULTIPLE TYPES, WITH OR WITHOUT MICROCORNEA; CATARACT 21, CERULEAN, WITH OR WITHOUT MICROCORNEA; CATARACT 21, MULTIPLE TYPES, WITH MICROCORNEA. Identifiers: Orphanet 91492, MedGen C1857768, MONDO:0012437, OMIM 610202.
Ayme-Gripp syndrome. Also called: Aymé-Gripp Syndrome. Identifiers: MedGen C1832812, MONDO:0010992, OMIM 601088.

Submission:

Labcorp Genetics (formerly Invitae), Labcorp
Classification: Pathogenic for Cataract 21 multiple types; Ayme-Gripp syndrome. Last evaluated: 2020-10-07. Review status: criteria provided, single submitter. Criteria: Invitae Variant Classification Sherloc (09022015). Collection method: clinical testing. Allele origin: germline.
Comment: For these reasons, this variant has been classified as Pathogenic. Loss-of-function variants in MAF are known to be pathogenic (Invitae). This variant has been observed to be de novo in an individual with congenital cataracts, tall stature and learning difficulties (Invitae). A gross deletion of the genomic region encompassing the full coding sequence of the MAF gene has been identified. The boundaries of this event are unknown as the deletion extends beyond the assayed region for this gene and therefore may encompass additional genes.